The following is an entry in ClinVar:

NM_000222.3(KIT):c.1655T>A (p.Met552Lys)

Gene: KIT (KIT proto-oncogene, receptor tyrosine kinase; plus strand). Cytogenetic location: 4q12.
Variant type: single nucleotide variant.
Coding change: c.1655T>A on transcript NM_000222.3 (MANE Select); coding-DNA position 1655, T replaced by A.
Protein change: p.Met552Lys; replaces methionine 552 with lysine.
Molecular consequence: missense variant.
Genome position (GRCh38, 1-based): chr4:54,727,423, T>A. VCF-style: chr4-54727423-T-A. GRCh37 (hg19) VCF-style: chr4-55593589-T-A.
Other names: c.1643T>A, p.Met548Lys (NM_001093772.2, NM_001385286.1); c.1658T>A, p.Met553Lys (NM_001385284.1, NM_001385290.1); c.1655T>A, p.Met552Lys (NM_001385285.1); c.1646T>A, p.Met549Lys (NM_001385288.1, NM_001385292.1); short protein forms M552K, M553K, M548K, M549K.
Identifiers: ClinVar variation 1777341 (VCV001777341.5), dbSNP rs746805825, ClinGen allele CA356907429.

ClinVar aggregate classification (germline): Uncertain significance. Review status: criteria provided, multiple submitters, no conflicts (2 of 4 stars). 2 submissions from 2 submitters: Uncertain significance (2). Last evaluated 2023-07-17.

Conditions:
Gastrointestinal stromal tumor. Also called: Gastrointestinal stromal tumor, somatic; Gastrointestinal stroma tumor. Identifiers: Orphanet 44890, MedGen C0238198, MeSH D046152, MONDO:0011719, OMIM 606764, HP:0100723.
Hereditary cancer-predisposing syndrome. Also called: Neoplastic Syndromes, Hereditary; Tumor predisposition; Hereditary Cancer Syndrome; Hereditary neoplastic syndrome. Identifiers: Orphanet 140162, MedGen C0027672, MeSH D009386, MONDO:0015356.

gnomAD v4.1: 1 of 1,614,184 alleles (0.000062%); highest among the groups gnomAD compares: Non-Finnish European, 0.000085%; no homozygotes.

Submissions (2):

Labcorp Genetics (formerly Invitae), Labcorp
Classification: Uncertain significance for Gastrointestinal stromal tumor. Last evaluated: 2023-07-17. Review status: criteria provided, single submitter. Criteria: Invitae Variant Classification Sherloc (09022015). Collection method: clinical testing. Allele origin: germline.
Comment: In summary, the available evidence is currently insufficient to determine the role of this variant in disease. Therefore, it has been classified as a Variant of Uncertain Significance. An algorithm developed to predict the effect of missense changes on protein structure and function (PolyPhen-2) suggests that this variant is likely to be tolerated. ClinVar contains an entry for this variant (Variation ID: 1777341). This variant has not been reported in the literature in individuals affected with KIT-related conditions. This variant is not present in population databases (gnomAD no frequency). This sequence change replaces methionine, which is neutral and non-polar, with lysine, which is basic and polar, at codon 552 of the KIT protein (p.Met552Lys).

Ambry Genetics
Classification: Uncertain significance for Hereditary cancer-predisposing syndrome. Last evaluated: 2021-05-27. Review status: criteria provided, single submitter. Criteria: Ambry Variant Classification Scheme 2023. Collection method: clinical testing. Allele origin: germline.
Comment: The p.M552K variant (also known as c.1655T>A), located in coding exon 11 of the KIT gene, results from a T to A substitution at nucleotide position 1655. The methionine at codon 552 is replaced by lysine, an amino acid with similar properties. This amino acid position is not well conserved in available vertebrate species. In addition, this alteration is predicted to be tolerated by in silico analysis. Since supporting evidence is limited at this time, the clinical significance of this alteration remains unclear.